The following is an entry in ClinVar:

NM_022078.3(GPATCH3):c.1111+112G>A

Gene: GPATCH3 (G-patch domain containing 3; minus strand). Cytogenetic location: 1p36.11.
Variant type: single nucleotide variant.
Coding change: c.1111+112G>A on transcript NM_022078.3 (MANE Select); 112 bases into the intron after coding-DNA position 1111, G replaced by A.
Molecular consequence: intron variant.
Genome position (GRCh38, 1-based): chr1:26,893,277, C>T on the plus strand (G>A on the coding strand, the complement: GPATCH3 is on the minus strand). VCF-style: chr1-26893277-C-T. GRCh37 (hg19) VCF-style: chr1-27219768-C-T.
Other names: NC_000001.10:g.27219768C>T.
Identifiers: ClinVar variation 4407994 (VCV004407994.3).
Genomic context (GRCh38, chr1:26,893,277, plus strand): 5'-ACTAGCACTTAATGTACACAACCAAAGATGTTTTAAGAGGAACCCTCTCAGTGGGCTACC[C>T]CAAGGGAACGGGAACGGTACCCTGTCTCAGCCTTTGCTAGCTCTGGTAAAGTGTCACTGC-3'

ClinVar aggregate classification (germline): Benign (1 of 4 stars; one submission).

Submissions (8):

CeGaT Center for Human Genetics Tuebingen
Classification: Benign. Last evaluated: 2026-06-01. Review status: criteria provided, single submitter. Criteria: CeGaT Center For Human Genetics Tuebingen Variant Classification Criteria Version 2. Collection method: clinical testing. Allele origin: germline. Affected: yes. Observed: 2 variant alleles.
Comment: GPATCH3: BS1, BS2

Dr. Peter K. Rogan Lab, Western University
No classification provided (evidence only). Condition: Lung cancer. Review status: no classification provided. Collection method: in vitro. Allele origin: not applicable. Functional consequence: retained intron. Not counted in ClinVar's aggregate classification.

Dr. Peter K. Rogan Lab, Western University
No classification provided (evidence only). Condition: Acute myeloid leukemia. Review status: no classification provided. Collection method: in vitro. Allele origin: not applicable. Functional consequence: retained intron. Not counted in ClinVar's aggregate classification.

Dr. Peter K. Rogan Lab, Western University
No classification provided (evidence only). Condition: Uterine corpus endometrial carcinoma. Review status: no classification provided. Collection method: in vitro. Allele origin: not applicable. Functional consequence: retained intron. Not counted in ClinVar's aggregate classification.

Dr. Peter K. Rogan Lab, Western University
No classification provided (evidence only). Condition: Cervical cancer. Review status: no classification provided. Collection method: in vitro. Allele origin: not applicable. Functional consequence: retained intron. Not counted in ClinVar's aggregate classification.

Dr. Peter K. Rogan Lab, Western University
No classification provided (evidence only). Condition: Sarcoma. Review status: no classification provided. Collection method: in vitro. Allele origin: not applicable. Functional consequence: retained intron. Not counted in ClinVar's aggregate classification.

Dr. Peter K. Rogan Lab, Western University
No classification provided (evidence only). Condition: Sarcoma. Review status: no classification provided. Collection method: in vitro. Allele origin: not applicable. Functional consequence: retained intron. Not counted in ClinVar's aggregate classification.

Dr. Peter K. Rogan Lab, Western University
No classification provided (evidence only). Condition: Uterine carcinosarcoma. Review status: no classification provided. Collection method: in vitro. Allele origin: not applicable. Functional consequence: retained intron. Not counted in ClinVar's aggregate classification.